The following is an entry in ClinVar:

ClinVar aggregate classification (germline): Uncertain significance (1 of 4 stars; one submission).

Conditions:
Cardiomyopathy, familial hypertrophic, 28. Identifiers: MedGen C5543616, MONDO:0030317, OMIM 619402.

gnomAD v4.1: 1 of 1,607,132 alleles (0.000062%); no homozygotes.

Submission:

Victorian Clinical Genetics Services, Murdoch Childrens Research Institute
Classification: Uncertain significance for Cardiomyopathy, familial hypertrophic, 28. Last evaluated: 2023-07-17. Review status: criteria provided, single submitter. Criteria: ACMG Guidelines, 2015. Collection method: clinical testing. Allele origin: germline. Inheritance: Autosomal dominant inheritance. Affected: yes.
Comment: Based on the classification scheme VCGS_Germline_v1.3.4, this variant is classified as VUS-3B. Following criteria are met: 0105 - The mechanism of disease for this gene is not clearly established. However, dominant negative is a suggested mechanism (PMIDs: 24088304, 35205353). (I) 0107 - This gene is associated with autosomal dominant disease. (I) 0112 - The condition associated with this gene has incomplete penetrance (PMID: 30442288). (I) 0201 - Variant is predicted to cause nonsense-mediated decay (NMD) and loss of protein (premature termination codon is located at least 54 nucleotides upstream of the final exon-exon junction). (SP) 0251 - This variant is heterozygous. (I) 0301 - Variant is absent from gnomAD (both v2 and v3). (SP) 0708 - Other NMD-predicted variants comparable to the one identified in this case have conflicting previous evidence for pathogenicity. These variants have been reported in individuals with various cardiac conditions, including left ventricular outflow tract obstruction, dilated cardiomyopathy or hypertrophic cardiomyopathy, and they have been reported as either VUS or likely pathogenic (PMIDs: 28991257, 30442288, 33586461). (I) 0807 - This variant has no previous evidence of pathogenicity. (I) 0905 - No published segregation evidence has been identified for this variant. (I) 1007 - No published functional evidence has been identified for this variant. (I) Legend: (SP) - Supporting pathogenic, (I) - Information, (SB) - Supporting benign

Literature cited by the submitters: PubMed 24088304; PubMed 28991257; PubMed 30442288; PubMed 33586461; PubMed 35205353.

NM_001281740.3(FHOD3):c.1972C>T (p.Arg658Ter)

Gene: FHOD3 (formin homology 2 domain containing 3; plus strand). Cytogenetic location: 18q12.2.
Variant type: single nucleotide variant.
Coding change: c.1972C>T on transcript NM_001281740.3 (MANE Select); coding-DNA position 1972, C replaced by T.
Protein change: p.Arg658Ter; replaces arginine 658 with a stop codon.
Molecular consequence: nonsense. On other transcripts: intron variant (1).
Genome position (GRCh38, 1-based): chr18:36,687,129, C>T. VCF-style: chr18-36687129-C-T. GRCh37 (hg19) VCF-style: chr18-34267092-C-T.
Other names: c.1447C>T, p.Arg483Ter (NM_025135.5); c.1445+5559C>T (NM_001281739.3); short protein forms R483*, R658*.
Identifiers: ClinVar variation 3254771 (VCV003254771.1), dbSNP rs150153026.